The following is an entry in ClinVar:

NM_004991.4(MECOM):c.484C>T (p.Leu162Phe)

Gene: MECOM (MDS1 and EVI1 complex locus; minus strand). Cytogenetic location: 3q26.2.
Variant type: single nucleotide variant.
Coding change: c.484C>T on transcript NM_004991.4 (MANE Select); coding-DNA position 484, C replaced by T.
Protein change: p.Leu162Phe; replaces leucine 162 with phenylalanine.
Molecular consequence: missense variant. On other transcripts: 5 prime UTR variant (12).
Genome position (GRCh38, 1-based): chr3:169,143,724, G>A on the plus strand (C>T on the coding strand, the complement: MECOM is on the minus strand). VCF-style: chr3-169143724-G-A. GRCh37 (hg19) VCF-style: chr3-168861512-G-A.
Other names: c.112C>T, p.Leu38Phe (NM_001105077.4); c.-81C>T (NM_001105078.4, NM_001163999.2, NM_001164000.2 and 9 more transcripts); c.484C>T, p.Leu162Phe (NM_001366466.2, NM_001366473.2); short protein forms L38F, L162F.
Identifiers: ClinVar variation 3871740 (VCV003871740.1).

ClinVar aggregate classification (germline): Uncertain significance (1 of 4 stars; one submission).

Conditions:
Inborn genetic diseases. Identifiers: MedGen C0950123, MeSH D030342.

Submission:

Ambry Genetics
Classification: Uncertain significance for Inborn genetic diseases. Last evaluated: 2025-01-23. Review status: criteria provided, single submitter. Criteria: Ambry Variant Classification Scheme 2023. Collection method: clinical testing. Allele origin: germline.
Comment: The p.L162F variant (also known as c.484C>T), located in coding exon 3 of the MECOM gene, results from a C to T substitution at nucleotide position 484. The leucine at codon 162 is replaced by phenylalanine, an amino acid with highly similar properties. This amino acid position is conserved. In addition, the in silico prediction for this alteration is inconclusive. Based on the available evidence, the clinical significance of this variant remains unclear.